The following is an entry in ClinVar:

NM_173728.4(ARHGEF15):c.456G>C (p.Arg152Ser)

Gene: ARHGEF15 (Rho guanine nucleotide exchange factor 15; plus strand). Cytogenetic location: 17p13.1.
Variant type: single nucleotide variant.
Coding change: c.456G>C on transcript NM_173728.4 (MANE Select); coding-DNA position 456, G replaced by C.
Protein change: p.Arg152Ser; replaces arginine 152 with serine.
Molecular consequence: missense variant.
Genome position (GRCh38, 1-based): chr17:8,312,495, G>C. VCF-style: chr17-8312495-G-C. GRCh37 (hg19) VCF-style: chr17-8215813-G-C.
Other names: c.456G>C, p.Arg152Ser (NM_025014.2); short protein forms R152S.
Identifiers: ClinVar variation 2052836 (VCV002052836.4), dbSNP rs1904707328, ClinGen allele CA398014657.

ClinVar aggregate classification (germline): Uncertain significance (1 of 4 stars; one submission).

Conditions:
Early-infantile DEE. Also called: Ohtahara syndrome; Early infantile epileptic encephalopathy; Early infantile epileptic encephalopathy with suppression bursts. Identifiers: Orphanet 1934, MedGen C0393706, MONDO:0800491.

Allele frequency attached by ClinVar (database versions not stated): gnomAD 0.00001; gnomAD exomes 0.00001.

Submission:

Labcorp Genetics (formerly Invitae), Labcorp
Classification: Uncertain significance for Early-infantile DEE. Last evaluated: 2023-05-01. Review status: criteria provided, single submitter. Criteria: Invitae Variant Classification Sherloc (09022015). Collection method: clinical testing. Allele origin: germline.
Comment: This sequence change replaces arginine, which is basic and polar, with serine, which is neutral and polar, at codon 152 of the ARHGEF15 protein (p.Arg152Ser). This variant is not present in population databases (gnomAD no frequency). This variant has not been reported in the literature in individuals affected with ARHGEF15-related conditions. ClinVar contains an entry for this variant (Variation ID: 2052836). An algorithm developed to predict the effect of missense changes on protein structure and function (PolyPhen-2) suggests that this variant is likely to be disruptive. In summary, the available evidence is currently insufficient to determine the role of this variant in disease. Therefore, it has been classified as a Variant of Uncertain Significance.